The following is an entry in ClinVar:

NM_017780.4(CHD7):c.278C>A (p.Thr93Asn)

Gene: CHD7 (chromodomain helicase DNA binding protein 7; plus strand). Cytogenetic location: 8q12.2.
Variant type: single nucleotide variant.
Coding change: c.278C>A on transcript NM_017780.4 (MANE Select); coding-DNA position 278, C replaced by A.
Protein change: p.Thr93Asn; replaces threonine 93 with asparagine.
Molecular consequence: missense variant.
Genome position (GRCh38, 1-based): chr8:60,741,710, C>A. VCF-style: chr8-60741710-C-A. GRCh37 (hg19) VCF-style: chr8-61654269-C-A.
Other names: c.278C>A, p.Thr93Asn (NM_001316690.1); short protein forms T93N.
Identifiers: ClinVar variation 1054041 (VCV001054041.9), dbSNP rs1809027007, ClinGen allele CA371296952.

ClinVar aggregate classification (germline): Uncertain significance (1 of 4 stars; one submission).

Conditions:
CHARGE syndrome (CHARGE). Also called: Hittner Hirsch Kreh syndrome; CHARGE ASSOCIATION--COLOBOMA, HEART ANOMALY, CHOANAL ATRESIA, RETARDATION, GENITAL AND EAR ANOMALIES; Coloboma, heart anomaly, choanal atresia, retardation, genital and ear anomalies; CHARGE association; Hall-Hittner syndrome. Identifiers: Orphanet 138, MedGen C0265354, MONDO:0008965.

Allele frequency attached by ClinVar (database versions not stated): gnomAD exomes below 0.00001.
gnomAD v4.1: 2 of 1,613,976 alleles (0.00012%); highest among the groups gnomAD compares: East Asian, 0.0045%; no homozygotes.

Submission:

Labcorp Genetics (formerly Invitae), Labcorp
Classification: Uncertain significance for CHARGE syndrome. Last evaluated: 2020-02-21. Review status: criteria provided, single submitter. Criteria: Invitae Variant Classification Sherloc (09022015). Collection method: clinical testing. Allele origin: germline.
Comment: In summary, the available evidence is currently insufficient to determine the role of this variant in disease. Therefore, it has been classified as a Variant of Uncertain Significance. Algorithms developed to predict the effect of missense changes on protein structure and function are either unavailable or do not agree on the potential impact of this missense change (SIFT: "Deleterious"; PolyPhen-2: "Benign"; Align-GVGD: "Class C0"). This variant has not been reported in the literature in individuals with CHD7-related conditions. This variant is not present in population databases (ExAC no frequency). This sequence change replaces threonine with asparagine at codon 93 of the CHD7 protein (p.Thr93Asn). The threonine residue is weakly conserved and there is a small physicochemical difference between threonine and asparagine.